The following is an entry in ClinVar:

NM_000059.4(BRCA2):c.7533T>A (p.Tyr2511Ter)

Gene: BRCA2 (BRCA2 DNA repair associated; plus strand). Cytogenetic location: 13q13.1.
Variant type: single nucleotide variant.
Coding change: c.7533T>A on transcript NM_000059.4 (MANE Select); coding-DNA position 7533, T replaced by A.
Protein change: p.Tyr2511Ter; replaces tyrosine 2511 with a stop codon.
Molecular consequence: nonsense. On other transcripts: non-coding transcript variant (1).
Genome position (GRCh38, 1-based): chr13:32,356,525, T>A. VCF-style: chr13-32356525-T-A. GRCh37 (hg19) VCF-style: chr13-32930662-T-A.
Other names: c.7437T>A, p.Tyr2479Ter (NM_001406719.1); c.7533T>A, p.Tyr2511Ter (NM_001406720.1, NM_001432077.1); c.2601T>A, p.Tyr867Ter (NM_001406721.1); c.1116T>A, p.Tyr372Ter (NM_001406722.1); short protein forms Y867*, Y2479*, Y2511*, Y372*.
Identifiers: ClinVar variation 3825353 (VCV003825353.1).

ClinVar aggregate classification (germline): Pathogenic (1 of 4 stars; one submission).

Conditions:
Hereditary cancer-predisposing syndrome. Also called: Hereditary neoplastic syndrome; Neoplastic Syndromes, Hereditary; Tumor predisposition; Hereditary Cancer Syndrome. Identifiers: Orphanet 140162, MedGen C0027672, MeSH D009386, MONDO:0015356.

Submission:

Ambry Genetics
Classification: Pathogenic for Hereditary cancer-predisposing syndrome. Last evaluated: 2025-02-17. Review status: criteria provided, single submitter. Criteria: Ambry Variant Classification Scheme 2023. Collection method: clinical testing. Allele origin: germline.
Comment: The p.Y2511* variant (also known as c.7533T>A), located in coding exon 14 of the BRCA2 gene, results from a T to A substitution at nucleotide position 7533. This changes the amino acid from a tyrosine to a stop codon within coding exon 14. This alteration is expected to result in loss of function by premature protein truncation or nonsense-mediated mRNA decay. As such, this alteration is interpreted as a disease-causing mutation.